The following is an entry in ClinVar:

NM_014435.4(NAAA):c.114G>C (p.Val38=)

Genes: NAAA (N-acylethanolamine acid amidase; minus strand), LOC129992686 (ATAC-STARR-seq lymphoblastoid silent region 15484; plus strand). Cytogenetic location: 4q21.1.
Variant type: single nucleotide variant.
Coding change: c.114G>C on transcript NM_014435.4 (MANE Select); coding-DNA position 114, G replaced by C.
Protein change: p.Val38=; no amino-acid change (valine 38 retained).
Molecular consequence: synonymous variant.
Genome position (GRCh38, 1-based): chr4:75,940,836, C>G on the plus strand (G>C on the coding strand, the complement: NAAA is on the minus strand). VCF-style: chr4-75940836-C-G. GRCh37 (hg19) VCF-style: chr4-76861989-C-G.
Other names: c.114G>C, p.Val38= (NM_001042402.2, NM_001363719.2).
Identifiers: ClinVar variation 2654827 (VCV002654827.24), dbSNP rs765038362, ClinGen allele CA2967951.

ClinVar aggregate classification (germline): Likely benign (1 of 4 stars; one submission).

Allele frequency attached by ClinVar (database versions not stated): gnomAD exomes 0.00006; TOPMed 0.00006; ExAC 0.00007; gnomAD 0.00008.
gnomAD v4.1: 110 of 1,592,074 alleles (0.0069%); highest among the groups gnomAD compares: Middle Eastern, 0.05%; no homozygotes.

Submission:

CeGaT Center for Human Genetics Tuebingen
Classification: Likely benign. Last evaluated: 2022-07-01. Review status: criteria provided, single submitter. Criteria: CeGaT Center For Human Genetics Tuebingen Variant Classification Criteria Version 2. Collection method: clinical testing. Allele origin: germline. Affected: yes. Observed: 1 variant allele.
Comment: NAAA: BP4, BP7